The following is an entry in ClinVar:

ClinVar aggregate classification (germline): Likely benign (1 of 4 stars; one submission).

Allele frequency attached by ClinVar (database versions not stated): 1000 Genomes Project 0.00060; 1000 Genomes Project 30x 0.00078; ExAC 0.00090; gnomAD 0.00152; ESP Exome Variant Server 0.00185; gnomAD exomes 0.00203.
gnomAD v4.1: 3,188 of 1,593,248 alleles (0.2%); highest among the groups gnomAD compares: Non-Finnish European, 0.24%; 5 homozygotes.

Submission:

CeGaT Center for Human Genetics Tuebingen
Classification: Likely benign. Last evaluated: 2022-08-01. Review status: criteria provided, single submitter. Criteria: CeGaT Center For Human Genetics Tuebingen Variant Classification Criteria Version 2. Collection method: clinical testing. Allele origin: germline. Affected: yes. Observed: 1 variant allele.
Comment: ADGRL2: BP4, BP7

NM_001366006.2(ADGRL2):c.26G>A (p.Arg9Gln)

Gene: ADGRL2 (adhesion G protein-coupled receptor L2; plus strand). Cytogenetic location: 1p31.1.
Variant type: single nucleotide variant.
Coding change: c.26G>A on transcript NM_001366006.2 (MANE Select); coding-DNA position 26, G replaced by A.
Protein change: p.Arg9Gln; replaces arginine 9 with glutamine.
Molecular consequence: missense variant. On other transcripts: non-coding transcript variant (1).
Genome position (GRCh38, 1-based): chr1:81,837,010, G>A. VCF-style: chr1-81837010-G-A. GRCh37 (hg19) VCF-style: chr1-82302695-G-A.
Other names: c.26G>A, p.Arg9Gln (NM_001297704.3, NM_001297705.3, NM_001297706.3 and 17 more transcripts); short protein forms R9Q.
Identifiers: ClinVar variation 2638898 (VCV002638898.24), dbSNP rs138982442, ClinGen allele CA922146.